The following is an entry in ClinVar:

ClinVar aggregate classification (germline): Uncertain significance. Review status: criteria provided, multiple submitters, no conflicts (2 of 4 stars). 5 submissions from 5 submitters: Uncertain significance (5). Last evaluated 2026-08-17.

Conditions:
Hereditary nonpolyposis colorectal neoplasms. Identifiers: MedGen C0009405, MeSH D003123.
Hereditary cancer-predisposing syndrome. Also called: Tumor predisposition; Hereditary neoplastic syndrome; Neoplastic Syndromes, Hereditary; Hereditary Cancer Syndrome. Identifiers: Orphanet 140162, MedGen C0027672, MeSH D009386, MONDO:0015356.
Lynch syndrome 4 (LYNCH4). Also called: Hereditary non-polyposis colorectal cancer, type 4; Colorectal cancer, hereditary nonpolyposis, type 4. Identifiers: Orphanet 144, MedGen C1838333, MONDO:0013699, OMIM 614337. Disease mechanism: loss of function.
Mismatch repair cancer syndrome 4. Identifiers: MedGen C5436817, MONDO:0030843, OMIM 619101.

Allele frequency attached by ClinVar (database versions not stated): gnomAD exomes below 0.00001.
gnomAD v4.1: 1 of 1,614,146 alleles (0.000062%); highest among the groups gnomAD compares: East Asian, 0.0022%; no homozygotes.

Submissions (5):

Ambry Genetics
Classification: Uncertain significance for Hereditary cancer-predisposing syndrome. Last evaluated: 2026-08-17. Review status: criteria provided, single submitter. Criteria: Ambry Variant Classification Scheme 2023. Collection method: clinical testing. Allele origin: germline.
Comment: The p.H633R variant (also known as c.1898A>G), located in coding exon 11 of the PMS2 gene, results from an A to G substitution at nucleotide position 1898. The histidine at codon 633 is replaced by arginine, an amino acid with highly similar properties. This amino acid position is not well conserved in available vertebrate species. In addition, this alteration is predicted to be tolerated by in silico analysis. Based on the available evidence, the clinical significance of this variant remains unclear.

Molecular Pathology, Peter Maccallum Cancer Centre
Classification: Uncertain significance for Lynch syndrome 4. Last evaluated: 2024-09-17. Review status: criteria provided, single submitter. Criteria: ACMG Guidelines, 2015. Collection method: clinical testing. Allele origin: germline. Inheritance: Autosomal dominant inheritance.

Color Diagnostics, LLC DBA Color Health
Classification: Uncertain significance for Hereditary cancer-predisposing syndrome. Last evaluated: 2024-03-06. Review status: criteria provided, single submitter. Criteria: ACMG Guidelines, 2015. Collection method: clinical testing. Allele origin: germline.
Comment: This missense variant replaces histidine with arginine at codon 633 of the PMS2 protein. Computational prediction suggests that this variant may not impact protein structure and function (internally defined REVEL score threshold <= 0.5, PMID: 27666373). To our knowledge, functional studies have not been reported for this variant. This variant has not been reported in individuals affected with hereditary cancer in the literature. This variant has not been identified in the general population by the Genome Aggregation Database (gnomAD). The available evidence is insufficient to determine the role of this variant in disease conclusively. Therefore, this variant is classified as a Variant of Uncertain Significance.

Fulgent Genetics
Classification: Uncertain significance for Lynch syndrome 4; Mismatch repair cancer syndrome 4. Last evaluated: 2022-05-09. Review status: criteria provided, single submitter. Criteria: ACMG Guidelines, 2015. Collection method: clinical testing. Allele origin: unknown.

Labcorp Genetics (formerly Invitae), Labcorp
Classification: Uncertain significance for Hereditary nonpolyposis colorectal neoplasms. Last evaluated: 2021-12-17. Review status: criteria provided, single submitter. Criteria: Invitae Variant Classification Sherloc (09022015). Collection method: clinical testing. Allele origin: germline.
Comment: This sequence change replaces histidine, which is basic and polar, with arginine, which is basic and polar, at codon 633 of the PMS2 protein (p.His633Arg). This variant is not present in population databases (gnomAD no frequency). This variant has not been reported in the literature in individuals affected with PMS2-related conditions. ClinVar contains an entry for this variant (Variation ID: 836004). Advanced modeling of protein sequence and biophysical properties (such as structural, functional, and spatial information, amino acid conservation, physicochemical variation, residue mobility, and thermodynamic stability) performed at Invitae indicates that this missense variant is not expected to disrupt PMS2 protein function. In summary, the available evidence is currently insufficient to determine the role of this variant in disease. Therefore, it has been classified as a Variant of Uncertain Significance.

NM_000535.7(PMS2):c.1898A>G (p.His633Arg)

Gene: PMS2 (PMS1 homolog 2, mismatch repair system component; minus strand). Cytogenetic location: 7p22.1.
Variant type: single nucleotide variant.
Coding change: c.1898A>G on transcript NM_000535.7 (MANE Select); coding-DNA position 1898, A replaced by G.
Protein change: p.His633Arg; replaces histidine 633 with arginine.
Molecular consequence: missense variant. On other transcripts: non-coding transcript variant (1).
Genome position (GRCh38, 1-based): chr7:5,986,867, T>C on the plus strand (A>G on the coding strand, the complement: PMS2 is on the minus strand). VCF-style: chr7-5986867-T-C. GRCh37 (hg19) VCF-style: chr7-6026498-T-C.
Other names: c.1493A>G, p.His498Arg (NM_001322003.2, NM_001322004.2, NM_001322005.2 and 1 more transcripts); c.1742A>G, p.His581Arg (NM_001322006.2); c.1580A>G, p.His527Arg (NM_001322007.2, NM_001322008.2); c.1337A>G, p.His446Arg (NM_001322010.2); c.965A>G, p.His322Arg (NM_001322011.2, NM_001322012.2); c.1325A>G, p.His442Arg (NM_001322013.2); c.1898A>G, p.His633Arg (NM_001322014.2); c.1589A>G, p.His530Arg (NM_001322015.2); short protein forms H442R, H446R, H530R, H581R, H633R, H322R, H498R, H527R.
Identifiers: ClinVar variation 836004 (VCV000836004.11), dbSNP rs63750024, ClinGen allele CA366739363.
Genomic context (GRCh38, chr7:5,986,867, plus strand): 5'-CAAATCTTTGCCCTAAACTTCCTGTAATTCTGTTCCCCTTCACTTTGCTGTGCTTCATGA[T>C]GTAACTGCTTTATTCGTTTAGCTAAAGAACTCATAGAAAAGTCCAGGGGCACAACTTTCT-3'
Protein context (NP_000526.2, residues 623-643): SSLAKRIKQL[His633Arg]HEAQQSEGEQ